The following is an entry in ClinVar:

NM_001365999.1(SZT2):c.671G>A (p.Arg224Gln)

Gene: SZT2 (SZT2 subunit of KICSTOR complex; plus strand). Cytogenetic location: 1p34.2.
Variant type: single nucleotide variant.
Coding change: c.671G>A on transcript NM_001365999.1 (MANE Select); coding-DNA position 671, G replaced by A.
Protein change: p.Arg224Gln; replaces arginine 224 with glutamine.
Molecular consequence: missense variant.
Genome position (GRCh38, 1-based): chr1:43,416,000, G>A. VCF-style: chr1-43416000-G-A. GRCh37 (hg19) VCF-style: chr1-43881671-G-A.
Other names: c.671G>A, p.Arg224Gln (NM_015284.4); short protein forms R224Q.
Identifiers: ClinVar variation 834791 (VCV000834791.13), dbSNP rs541591330, ClinGen allele CA808246.

ClinVar aggregate classification (germline): Uncertain significance. Review status: criteria provided, multiple submitters, no conflicts (2 of 4 stars). 4 submissions from 4 submitters: Uncertain significance (4). Last evaluated 2024-10-16.

Conditions:
Developmental and epileptic encephalopathy, 18 (DEE18). Also called: Early infantile epileptic encephalopathy 18. Identifiers: Orphanet 369894, MedGen C3809624, MONDO:0014201, OMIM 615476.
Inborn genetic diseases. Identifiers: MedGen C0950123, MeSH D030342.

Allele frequency attached by ClinVar (database versions not stated): ExAC 0.00001; gnomAD 0.00001; gnomAD exomes 0.00003; TOPMed 0.00005.

Submissions (4):

Labcorp Genetics (formerly Invitae), Labcorp
Classification: Uncertain significance. Last evaluated: 2024-10-16. Review status: criteria provided, single submitter. Criteria: Invitae Variant Classification Sherloc (09022015). Collection method: clinical testing. Allele origin: germline.
Comment: This sequence change replaces arginine, which is basic and polar, with glutamine, which is neutral and polar, at codon 224 of the SZT2 protein (p.Arg224Gln). This variant is present in population databases (rs541591330, gnomAD 0.02%). This variant has not been reported in the literature in individuals affected with SZT2-related conditions. ClinVar contains an entry for this variant (Variation ID: 834791). Invitae Evidence Modeling of protein sequence and biophysical properties (such as structural, functional, and spatial information, amino acid conservation, physicochemical variation, residue mobility, and thermodynamic stability) indicates that this missense variant is not expected to disrupt SZT2 protein function with a negative predictive value of 80%. In summary, the available evidence is currently insufficient to determine the role of this variant in disease. Therefore, it has been classified as a Variant of Uncertain Significance.

Genome-Nilou Lab
Classification: Uncertain significance for Developmental and epileptic encephalopathy, 18. Last evaluated: 2023-04-11. Review status: criteria provided, single submitter. Criteria: ACMG Guidelines, 2015. Collection method: clinical testing. Allele origin: germline. Affected: no.

Ambry Genetics
Classification: Uncertain significance for Inborn genetic diseases. Last evaluated: 2021-06-17. Review status: criteria provided, single submitter. Criteria: Ambry Variant Classification Scheme 2023. Collection method: clinical testing. Allele origin: germline.

GeneDx
Classification: Uncertain significance. Last evaluated: 2019-09-05. Review status: criteria provided, single submitter. Criteria: GeneDx Variant Classification Process June 2021. Collection method: clinical testing. Allele origin: germline. Affected: yes.
Comment: In silico analysis, which includes protein predictors and evolutionary conservation, supports that this variant does not alter protein structure/function; Has not been previously published as pathogenic or benign to our knowledge